The following is an entry in ClinVar:

ClinVar aggregate classification (germline): Uncertain significance (1 of 4 stars; one submission).

Conditions:
Early-infantile DEE. Also called: Early infantile epileptic encephalopathy; Early infantile epileptic encephalopathy with suppression bursts; Ohtahara syndrome. Identifiers: Orphanet 1934, MedGen C0393706, MONDO:0800491.

Allele frequency attached by ClinVar (database versions not stated): gnomAD exomes below 0.00001; TOPMed below 0.00001; gnomAD 0.00001.
gnomAD v4.1: 6 of 1,614,014 alleles (0.00037%); highest among the groups gnomAD compares: Non-Finnish European, 0.00051%; no homozygotes.

Submission:

Labcorp Genetics (formerly Invitae), Labcorp
Classification: Uncertain significance for Early-infantile DEE. Last evaluated: 2022-07-19. Review status: criteria provided, single submitter. Criteria: Invitae Variant Classification Sherloc (09022015). Collection method: clinical testing. Allele origin: germline.
Comment: In summary, the available evidence is currently insufficient to determine the role of this variant in disease. Therefore, it has been classified as a Variant of Uncertain Significance. Algorithms developed to predict the effect of missense changes on protein structure and function are either unavailable or do not agree on the potential impact of this missense change (SIFT: "Deleterious"; PolyPhen-2: "Possibly Damaging"; Align-GVGD: "Class C15"). ClinVar contains an entry for this variant (Variation ID: 1389931). This variant has not been reported in the literature in individuals affected with SPTAN1-related conditions. This variant is not present in population databases (gnomAD no frequency). This sequence change replaces arginine, which is basic and polar, with cysteine, which is neutral and slightly polar, at codon 129 of the SPTAN1 protein (p.Arg129Cys).

NM_001130438.3(SPTAN1):c.385C>T (p.Arg129Cys)

Gene: SPTAN1 (spectrin alpha, non-erythrocytic 1; plus strand). Cytogenetic location: 9q34.11.
Variant type: single nucleotide variant.
Coding change: c.385C>T on transcript NM_001130438.3 (MANE Select); coding-DNA position 385, C replaced by T.
Protein change: p.Arg129Cys; replaces arginine 129 with cysteine.
Molecular consequence: missense variant.
Genome position (GRCh38, 1-based): chr9:128,574,696, C>T. VCF-style: chr9-128574696-C-T. GRCh37 (hg19) VCF-style: chr9-131336975-C-T.
Other names: c.385C>T, p.Arg129Cys (NM_001195532.2, NM_001363759.2, NM_001363765.2 and 5 more transcripts); c.421C>T, p.Arg141Cys (NM_001375312.2, NM_001375318.1); short protein forms R129C, R141C.
Identifiers: ClinVar variation 1389931 (VCV001389931.7), dbSNP rs964919191, ClinGen allele CA200430143.